The following is an entry in ClinVar:

NM_182548.4(LHFPL5):c.605G>A (p.Arg202Gln)

Gene: LHFPL5 (LHFPL tetraspan subfamily member 5; plus strand). Cytogenetic location: 6p21.31.
Variant type: single nucleotide variant.
Coding change: c.605G>A on transcript NM_182548.4 (MANE Select); coding-DNA position 605, G replaced by A.
Protein change: p.Arg202Gln; replaces arginine 202 with glutamine.
Molecular consequence: missense variant.
Genome position (GRCh38, 1-based): chr6:35,814,738, G>A. VCF-style: chr6-35814738-G-A. GRCh37 (hg19) VCF-style: chr6-35782515-G-A.
Other names: c.605G>A (NM_182548.3); short protein forms R202Q.
Identifiers: ClinVar variation 1427668 (VCV001427668.6), dbSNP rs781647481, ClinGen allele CA3774454.

ClinVar aggregate classification (germline): Uncertain significance. Review status: criteria provided, multiple submitters, no conflicts (2 of 4 stars). 2 submissions from 2 submitters: Uncertain significance (2). Last evaluated 2025-10-28.

Conditions:
Inborn genetic diseases. Identifiers: MedGen C0950123, MeSH D030342.

Allele frequency attached by ClinVar (database versions not stated): gnomAD 0.00002 and 0.00004; ExAC 0.00007; TOPMed 0.00002.

Submissions (2):

Ambry Genetics
Classification: Uncertain significance for Inborn genetic diseases. Last evaluated: 2025-10-28. Review status: criteria provided, single submitter. Criteria: Ambry Variant Classification Scheme 2023. Collection method: clinical testing. Allele origin: germline.

Labcorp Genetics (formerly Invitae), Labcorp
Classification: Uncertain significance. Last evaluated: 2022-11-08. Review status: criteria provided, single submitter. Criteria: Invitae Variant Classification Sherloc (09022015). Collection method: clinical testing. Allele origin: germline.
Comment: This sequence change replaces arginine, which is basic and polar, with glutamine, which is neutral and polar, at codon 202 of the LHFPL5 protein (p.Arg202Gln). This variant is present in population databases (rs781647481, gnomAD 0.02%). This variant has not been reported in the literature in individuals affected with LHFPL5-related conditions. ClinVar contains an entry for this variant (Variation ID: 1427668). Algorithms developed to predict the effect of missense changes on protein structure and function are either unavailable or do not agree on the potential impact of this missense change (SIFT: "Deleterious"; PolyPhen-2: "Probably Damaging"; Align-GVGD: "Class C0"). In summary, the available evidence is currently insufficient to determine the role of this variant in disease. Therefore, it has been classified as a Variant of Uncertain Significance.